The following is an entry in ClinVar:

NM_005676.5:c.1594_2002delinsTGTTCTTCAAAATAGC

Gene: RBM10 (RNA binding motif protein 10; plus strand).
Variant type: Indel.
Other names: c.1594_2002delinsTGTTCTTCAAAATAGC (NM_005676.5).
Identifiers: ClinVar variation 3899260 (VCV003899260.1).

ClinVar aggregate classification (germline): Likely pathogenic (1 of 4 stars; one submission).

Conditions:
TARP syndrome (TARPS). Also called: PIERRE ROBIN SYNDROME WITH CONGENITAL HEART MALFORMATION AND CLUBFOOT; TALIPES EQUINOVARUS, ATRIAL SEPTAL DEFECT, ROBIN SEQUENCE, AND PERSISTENCE OF LEFT SUPERIOR VENA CAVA. Identifiers: Orphanet 2886, MedGen C1839463, MONDO:0010711, OMIM 311900.

Submission:

Department of Genetics and Endocrinology, Guangzhou Women and Children’s Medical Center
Classification: Likely pathogenic for TARP syndrome. Review status: criteria provided, single submitter. Criteria: ACMG Guidelines, 2015. Collection method: clinical testing. Allele origin: germline. Inheritance: X-linked inheritance. Affected: yes. Observed: 1 hemizygote.
Comment: This variant meets the criteria for PVS1_Moderate (Null variant in a gene where loss of function is known to be pathogenic), PM2 (Low frequency in the general population), PM4 (Protein length changes due to in-frame deletions in a nonrepeat region), PP1 (Co-segregation with disease in a family), as well as PP4(Patient’s phenotype is highly specific for a disease).